The following is an entry in ClinVar:

NM_006439.5(MAB21L2):c.1044A>G (p.Glu348=)

Genes: LRBA (LPS responsive beige-like anchor protein; minus strand), MAB21L2 (mab-21 like 2; plus strand). Cytogenetic location: 4q31.3.
Variant type: single nucleotide variant.
Coding change: c.1044A>G on transcript NM_006439.5 (MANE Select); coding-DNA position 1044, A replaced by G.
Protein change: p.Glu348=; no amino-acid change (glutamic acid 348 retained).
Molecular consequence: synonymous variant. On other transcripts: intron variant (6).
Genome position (GRCh38, 1-based): chr4:150,584,073, A>G. VCF-style: chr4-150584073-A-G. GRCh37 (hg19) VCF-style: chr4-151505225-A-G.
Other names: c.6330+3975T>C (NM_001367550.1, NM_001199282.3, NM_001364905.1 and 1 more transcripts); c.6363+3975T>C (NM_006726.5, NM_001440430.1).
Identifiers: ClinVar variation 3771582 (VCV003771582.13).

ClinVar aggregate classification (germline): Likely benign (1 of 4 stars; one submission).

gnomAD v4.1: 17 of 1,558,686 alleles (0.0011%); highest among the groups gnomAD compares: Non-Finnish European, 0.0011%; no homozygotes.

Submission:

CeGaT Center for Human Genetics Tuebingen
Classification: Likely benign. Last evaluated: 2025-01-01. Review status: criteria provided, single submitter. Criteria: CeGaT Center For Human Genetics Tuebingen Variant Classification Criteria Version 2. Collection method: clinical testing. Allele origin: germline. Affected: yes. Observed: 1 variant allele.
Comment: MAB21L2: BP4, BP7